The following is an entry in ClinVar:

NM_138576.4(BCL11B):c.756_765del (p.Gly253fs)

Gene: BCL11B (BCL11 transcription factor B; minus strand). Cytogenetic location: 14q32.2.
Variant type: Deletion.
Coding change: c.756_765del on transcript NM_138576.4 (MANE Select); coding-DNA positions 756 to 765, 10 bases deleted (CGGGCCGGCC; older notation c.756_765delCGGGCCGGCC).
Protein change: p.Gly253fs; shifts the reading frame from glycine 253.
Molecular consequence: frameshift variant.
Genome position (GRCh38, 1-based): chr14:99,176,071-99,176,080, GGCCGGCCCG deleted on the plus strand (CGGGCCGGCC on the coding strand, the reverse complement: BCL11B is on the minus strand); deleting any 10 consecutive bases within chr14:99,176,071-99,176,083 gives the same sequence; the c. name uses the placement nearest the transcript's 3' end. VCF-style (leftmost placement, unchanged base first): chr14-99176070-TGGCCGGCCCG-T. GRCh37 (hg19) VCF-style: chr14-99642407-TGGCCGGCCCG-T.
Other names: c.753_762del, p.Gly252fs (NM_001282237.2); c.540_549del, p.Gly181fs (NM_001282238.2); c.543_552del, p.Gly182fs (NM_022898.3); short protein forms G181fs, G182fs, G252fs, G253fs.
Identifiers: ClinVar variation 3346986 (VCV003346986.1).

ClinVar aggregate classification (germline): Pathogenic (0 of 4 stars; one submission).

Conditions:
BCL11B-related disorder. Also called: BCL11B-Related Disorders.

Submission:

PreventionGenetics, part of Exact Sciences
Classification: Pathogenic for BCL11B-related condition. Last evaluated: 2024-05-14. Review status: no assertion criteria provided. Collection method: clinical testing. Allele origin: germline.
Comment: The BCL11B c.543_552del10 variant is predicted to result in a frameshift and premature protein termination (p.Gly182Alafs*25). To our knowledge, this variant has not been reported in the literature or in a large population database, indicating this variant is rare. This variant is located in the last exon (the largest coding exon of the gene). Multiple loss of function variants downstream of this variant have been reported in individuals with BCL11B associated disorders (Yan et al. 2020. PubMed ID: 32135595; Lessel et al. 2018. PubMed ID: 29985992). Frameshift variants in BCL11B are expected to be pathogenic. This variant is interpreted as pathogenic.